The following is an entry in ClinVar:

NM_024741.3(ZNF408):c.140C>G (p.Pro47Arg)

Gene: ZNF408 (zinc finger protein 408; plus strand). Cytogenetic location: 11p11.2.
Variant type: single nucleotide variant.
Coding change: c.140C>G on transcript NM_024741.3 (MANE Select); coding-DNA position 140, C replaced by G.
Protein change: p.Pro47Arg; replaces proline 47 with arginine.
Molecular consequence: missense variant.
Genome position (GRCh38, 1-based): chr11:46,701,486, C>G. VCF-style: chr11-46701486-C-G. GRCh37 (hg19) VCF-style: chr11-46723036-C-G.
Other names: c.116C>G, p.Pro39Arg (NM_001184751.2); short protein forms P39R, P47R.
Identifiers: ClinVar variation 3699821 (VCV003699821.2).
Genomic context (GRCh38, chr11:46,701,486, plus strand): 5'-TAGGATGGAACCCTTCCGGAGAAGGCTGTACGCAGGGCCTCAAAGACGTCCCACCCGAGC[C>G]GACCCGAGACATCCTCGCTTTAAAGAGCCTTCCCCGGGGCTTGGCCCTTGGCCCCTCACT-3'
Protein context (NP_079017.1, residues 37-57): TQGLKDVPPE[Pro47Arg]TRDILALKSL

ClinVar aggregate classification (germline): Uncertain significance (1 of 4 stars; one submission).

gnomAD v4.1: 1 of 1,614,070 alleles (0.000062%); highest among the groups gnomAD compares: Middle Eastern, 0.016%; no homozygotes.

Submission:

Labcorp Genetics (formerly Invitae), Labcorp
Classification: Uncertain significance. Last evaluated: 2024-08-07. Review status: criteria provided, single submitter. Criteria: Invitae Variant Classification Sherloc (09022015). Collection method: clinical testing. Allele origin: germline.
Comment: This sequence change replaces proline, which is neutral and non-polar, with arginine, which is basic and polar, at codon 47 of the ZNF408 protein (p.Pro47Arg). This variant is present in population databases (rs749209470, gnomAD 0.0009%). This variant has not been reported in the literature in individuals affected with ZNF408-related conditions. An algorithm developed to predict the effect of missense changes on protein structure and function (PolyPhen-2) suggests that this variant is likely to be disruptive. In summary, the available evidence is currently insufficient to determine the role of this variant in disease. Therefore, it has been classified as a Variant of Uncertain Significance.